The following is an entry in ClinVar:

NM_002485.5(NBN):c.1480_1481del (p.Gln494fs)

Gene: NBN (nibrin; minus strand). Cytogenetic location: 8q21.3.
Variant type: Microsatellite.
Coding change: c.1480_1481del on transcript NM_002485.5 (MANE Select); coding-DNA positions 1480 to 1481, 2 bases deleted (CA; older notation c.1480_1481delCA).
Protein change: p.Gln494fs; shifts the reading frame from glutamine 494.
Molecular consequence: frameshift variant.
Genome position (GRCh38, 1-based): chr8:89,953,608-89,953,609, TG deleted on the plus strand (CA on the coding strand, the reverse complement: NBN is on the minus strand); deleting any 2 consecutive bases within chr8:89,953,608-89,953,612 gives the same sequence; the c. name uses the placement nearest the transcript's 3' end. VCF-style (leftmost placement, unchanged base first): chr8-89953607-TTG-T. GRCh37 (hg19) VCF-style: chr8-90965835-TTG-T.
Other names: c.1234_1235del, p.Gln412fs (NM_001024688.3); short protein forms Q412fs, Q494fs.
Identifiers: ClinVar variation 819332 (VCV000819332.7), dbSNP rs1586054483, ClinGen allele CA915945773.

ClinVar aggregate classification (germline): Pathogenic. Review status: criteria provided, multiple submitters, no conflicts (2 of 4 stars). 2 submissions from 2 submitters: Pathogenic (2). Last evaluated 2023-09-19.

Conditions:
Microcephaly, normal intelligence and immunodeficiency (NBS). Also called: Nijmegen breakage syndrome; Microcephaly with normal intelligence immunodeficiency and lymphoreticular malignancies; Nonsyndromal microcephaly autosomal recessive with normal intelligence; Seemanova syndrome 2; Immunodeficiency, microcephaly with normal intelligence; Ataxia telangiectasia variant V1. Identifiers: Orphanet 647, MedGen C0398791, MONDO:0009623, OMIM 251260.
Hereditary cancer-predisposing syndrome. Also called: Hereditary Cancer Syndrome; Neoplastic Syndromes, Hereditary; Hereditary neoplastic syndrome; Tumor predisposition. Identifiers: Orphanet 140162, MedGen C0027672, MeSH D009386, MONDO:0015356.

Submissions (2):

Labcorp Genetics (formerly Invitae), Labcorp
Classification: Pathogenic for Microcephaly, normal intelligence and immunodeficiency. Last evaluated: 2023-09-19. Review status: criteria provided, single submitter. Criteria: Invitae Variant Classification Sherloc (09022015). Collection method: clinical testing. Allele origin: germline.
Comment: For these reasons, this variant has been classified as Pathogenic. ClinVar contains an entry for this variant (Variation ID: 819332). This premature translational stop signal has been observed in individual(s) with breast cancer (PMID: 30630526). This variant is not present in population databases (gnomAD no frequency). This sequence change creates a premature translational stop signal (p.Gln494Thrfs*10) in the NBN gene. It is expected to result in an absent or disrupted protein product. Loss-of-function variants in NBN are known to be pathogenic (PMID: 9590180, 16415040).

Ambry Genetics
Classification: Pathogenic for Hereditary cancer-predisposing syndrome. Last evaluated: 2017-12-15. Review status: criteria provided, single submitter. Criteria: Ambry Variant Classification Scheme 2023. Collection method: clinical testing. Allele origin: germline.
Comment: The c.1480_1481delCA pathogenic mutation, located in coding exon 11 of the NBN gene, results from a deletion of two nucleotides at nucleotide positions 1480 to 1481, causing a translational frameshift with a predicted alternate stop codon (p.Q494Tfs*10). This alteration is expected to result in loss of function by premature protein truncation or nonsense-mediated mRNA decay. As such, this alteration is interpreted as a disease-causing mutation.

Literature cited by the submitters: PubMed 30630526 (cited by Labcorp Genetics (formerly Invitae), Labcorp); PubMed 9590180 (cited by Labcorp Genetics (formerly Invitae), Labcorp); PubMed 16415040 (cited by Labcorp Genetics (formerly Invitae), Labcorp).